The following is an entry in ClinVar:

NM_004859.4(CLTC):c.970-1731A>G

Gene: CLTC (clathrin heavy chain; plus strand). Cytogenetic location: 17q23.1.
Variant type: single nucleotide variant.
Coding change: c.970-1731A>G on transcript NM_004859.4 (MANE Select); 1731 bases into the intron before coding-DNA position 970, A replaced by G.
Molecular consequence: intron variant.
Genome position (GRCh38, 1-based): chr17:59,658,660, A>G. VCF-style: chr17-59658660-A-G. GRCh37 (hg19) VCF-style: chr17-57736021-A-G.
Other names: c.982-1731A>G (NM_001288653.2).
Identifiers: ClinVar variation 2647986 (VCV002647986.24), dbSNP rs1010518726, ClinGen allele CA292143371.

ClinVar aggregate classification (germline): Likely benign (1 of 4 stars; one submission).

Allele frequency attached by ClinVar (database versions not stated): TOPMed 0.00003; gnomAD 0.00006; 1000 Genomes Project 30x 0.00016.

Submission:

CeGaT Center for Human Genetics Tuebingen
Classification: Likely benign. Last evaluated: 2022-12-01. Review status: criteria provided, single submitter. Criteria: CeGaT Center For Human Genetics Tuebingen Variant Classification Criteria Version 2. Collection method: clinical testing. Allele origin: germline. Affected: yes. Observed: 1 variant allele.
Comment: CLTC: BS1